The following is an entry in ClinVar:

NM_144997.7(FLCN):c.1433-1_1433delinsTC

Gene: FLCN (folliculin; minus strand). Cytogenetic location: 17p11.2.
Variant type: Indel.
Coding change: c.1433-1_1433delinsTC on transcript NM_144997.7 (MANE Select); the canonical splice acceptor site of the intron before coding-DNA position 1433 through coding-DNA position 1433, GT replaced by TC.
Molecular consequence: splice acceptor variant.
Genome position (GRCh38, 1-based): chr17:17,215,090-17,215,091, AC replaced by GA on the plus strand (GT replaced by TC on the coding strand, the reverse complement: FLCN is on the minus strand). VCF-style: chr17-17215090-AC-GA. GRCh37 (hg19) VCF-style: chr17-17118404-AC-GA.
Other names: c.1433-1_1433delinsTC (NM_001353231.2, NM_001353230.2); c.1487-1_1487delinsTC (NM_001353229.2).
Identifiers: ClinVar variation 2809115 (VCV002809115.3), dbSNP rs2544143033, ClinGen allele CA2739267184.

ClinVar aggregate classification (germline): Likely pathogenic (1 of 4 stars; one submission).

Conditions:
Birt-Hogg-Dube syndrome. Also called: Birt Hogg Dubé syndrome. Identifiers: Orphanet 122, MedGen C0346010, MONDO:0800444.

Submission:

Labcorp Genetics (formerly Invitae), Labcorp
Classification: Likely pathogenic for Birt-Hogg-Dube syndrome. Last evaluated: 2022-10-20. Review status: criteria provided, single submitter. Criteria: Invitae Variant Classification Sherloc (09022015). Collection method: clinical testing. Allele origin: germline.
Comment: This variant results in the deletion of part of exon 13 (c.1433-1_1433delinsTC) of the FLCN gene. It is expected to disrupt RNA splicing. Variants that disrupt the donor or acceptor splice site typically lead to a loss of protein function (PMID: 16199547), and loss-of-function variants in FLCN are known to be pathogenic (PMID: 15852235). Information on the frequency of this variant in the gnomAD database is not available, as this variant may be reported differently in the database. This variant has not been reported in the literature in individuals affected with FLCN-related conditions. In summary, the currently available evidence indicates that the variant is pathogenic, but additional data are needed to prove that conclusively. Therefore, this variant has been classified as Likely Pathogenic.

Literature cited by the submitters: PubMed 16199547; PubMed 15852235.